The following is an entry in ClinVar:

NM_000540.3(RYR1):c.4674dup (p.Asn1559fs)

Gene: RYR1 (ryanodine receptor 1; plus strand). Cytogenetic location: 19q13.2.
Variant type: Duplication.
Coding change: c.4674dup on transcript NM_000540.3 (MANE Select); coding-DNA position 4674, one base duplicated (G; older notation c.4674dupG).
Protein change: p.Asn1559fs; shifts the reading frame from asparagine 1559.
Molecular consequence: frameshift variant.
Genome position (GRCh38, 1-based): chr19:38,483,080, G duplicated. VCF-style (leftmost placement, unchanged base first): chr19-38483079-A-AG. GRCh37 (hg19) VCF-style: chr19-38973719-A-AG.
Other names: c.4674dup, p.Asn1559fs (NM_001042723.2); short protein forms N1559fs.
Identifiers: ClinVar variation 1431756 (VCV001431756.7), dbSNP rs759632485, ClinGen allele CA066354.

ClinVar aggregate classification (germline): Pathogenic/Likely pathogenic. Review status: criteria provided, multiple submitters, no conflicts (2 of 4 stars). 2 submissions from 2 submitters: Pathogenic (1); Likely pathogenic (1). Last evaluated 2025-12-30.

Conditions:
Central core myopathy (CMYO1A). Also called: CONGENITAL MYOPATHY 1A, AUTOSOMAL DOMINANT, WITH SUSCEPTIBILITY TO MALIGNANT HYPERTHERMIA; Central core disease; Myopathy, central fibrillar. Identifiers: Orphanet 597, MedGen C5830701, MONDO:0007294, OMIM 117000.
Congenital multicore myopathy with external ophthalmoplegia (CMYO1B). Also called: Congenital myopathy 1B, autosomal recessive; Minicore myopathy; MULTICORE MYOPATHY; MULTIMINICORE DISEASE WITH EXTERNAL OPHTHALMOPLEGIA; Minicore myopathy with external ophthalmoplegia. Identifiers: Orphanet 598, Orphanet 98905, MedGen C1850674, MONDO:0009712, OMIM 255320, HP:0003789.
King Denborough syndrome (KDS). Identifiers: MedGen C1840365, MONDO:0020485, OMIM 619542.
Malignant hyperthermia, susceptibility to, 1 (MHS1). Also called: RYR1-Related Malignant Hyperthermia Susceptibility; Malignant hyperthermia suceptibility 1; Anesthesia related hyperthermia; Malignant hyperpyrexia; Fulminating hyperpyrexia; Pharmacogenic myopathy. Identifiers: Orphanet 423, MedGen C2930980, MONDO:0007783, OMIM 145600.
Congenital myopathy with fiber type disproportion. Also called: Congenital fiber-type disproportion; Congenital fiber-type disproportion myopathy. Identifiers: Orphanet 2020, MedGen C0546264, MONDO:0009711. Inheritance: all.
RYR1-related disorder. Also called: RYR1-related condition; RYR1-related disorders. Identifiers: MedGen CN239331.

Allele frequency attached by ClinVar (database versions not stated): gnomAD exomes below 0.00001; ExAC 0.00001; TOPMed 0.00001; gnomAD 0.00002; ESP Exome Variant Server 0.00008.

Submissions (2):

Labcorp Genetics (formerly Invitae), Labcorp
Classification: Pathogenic for RYR1-related disorder. Last evaluated: 2025-12-30. Review status: criteria provided, single submitter. Criteria: Invitae Variant Classification Sherloc (09022015). Collection method: clinical testing. Allele origin: germline.
Comment: This sequence change creates a premature translational stop signal (p.Asn1559Glufs*6) in the RYR1 gene. It is expected to result in an absent or disrupted protein product. Loss-of-function variants in RYR1 are known to be pathogenic (PMID: 23919265, 25960145, 28818389, 30611313). This variant is present in population databases (rs759632485, gnomAD 0.007%). This variant has not been reported in the literature in individuals affected with RYR1-related conditions. ClinVar contains an entry for this variant (Variation ID: 1431756). For these reasons, this variant has been classified as Pathogenic.

Fulgent Genetics
Classification: Likely pathogenic for Central core myopathy; Malignant hyperthermia, susceptibility to, 1; Congenital myopathy 4A, autosomal dominant; Congenital multicore myopathy with external ophthalmoplegia; King Denborough syndrome. Last evaluated: 2021-12-28. Review status: criteria provided, single submitter. Criteria: ACMG Guidelines, 2015. Collection method: clinical testing. Allele origin: unknown.

Literature cited by the submitters: PubMed 23919265 (cited by Labcorp Genetics (formerly Invitae), Labcorp); PubMed 25960145 (cited by Labcorp Genetics (formerly Invitae), Labcorp); PubMed 28818389 (cited by Labcorp Genetics (formerly Invitae), Labcorp); PubMed 30611313 (cited by Labcorp Genetics (formerly Invitae), Labcorp).